The following is an entry in ClinVar:

ClinVar aggregate classification (germline): Uncertain significance (1 of 4 stars; one submission).

Conditions:
Hereditary cancer-predisposing syndrome. Also called: Neoplastic Syndromes, Hereditary; Tumor predisposition; Hereditary Cancer Syndrome; Hereditary neoplastic syndrome. Identifiers: Orphanet 140162, MedGen C0027672, MeSH D009386, MONDO:0015356.

Submission:

Ambry Genetics
Classification: Uncertain significance for Hereditary cancer-predisposing syndrome. Last evaluated: 2025-08-25. Review status: criteria provided, single submitter. Criteria: Ambry Variant Classification Scheme 2023. Collection method: clinical testing. Allele origin: germline.
Comment: The p.P188A variant (also known as c.562C>G), located in coding exon 4 of the BARD1 gene, results from a C to G substitution at nucleotide position 562. The proline at codon 188 is replaced by alanine, an amino acid with highly similar properties. This amino acid position is conserved. In addition, this alteration is predicted to be tolerated by in silico analysis. Based on the available evidence, the clinical significance of this variant remains unclear.

NM_000465.4(BARD1):c.562C>G (p.Pro188Ala)

Gene: BARD1 (BRCA1 associated RING domain 1; minus strand). Cytogenetic location: 2q35.
Variant type: single nucleotide variant.
Coding change: c.562C>G on transcript NM_000465.4 (MANE Select); coding-DNA position 562, C replaced by G.
Protein change: p.Pro188Ala; replaces proline 188 with alanine.
Molecular consequence: missense variant. On other transcripts: non-coding transcript variant (2), intron variant (3).
Genome position (GRCh38, 1-based): chr2:214,781,312, G>C on the plus strand (C>G on the coding strand, the complement: BARD1 is on the minus strand). VCF-style: chr2-214781312-G-C. GRCh37 (hg19) VCF-style: chr2-215646036-G-C.
Other names: c.505C>G, p.Pro169Ala (NM_001282543.2); c.158+28100C>G (NM_001282548.2); c.215+15749C>G (NM_001282545.2); c.364+10985C>G (NM_001282549.2); short protein forms P169A, P188A.
Identifiers: ClinVar variation 4196354 (VCV004196354.1).